The following is an entry in ClinVar:

NM_020919.4(ALS2):c.792A>G (p.Thr264=)

Gene: ALS2 (alsin Rho guanine nucleotide exchange factor ALS2; minus strand). Cytogenetic location: 2q33.1.
Variant type: single nucleotide variant.
Coding change: c.792A>G on transcript NM_020919.4 (MANE Select); coding-DNA position 792, A replaced by G.
Protein change: p.Thr264=; no amino-acid change (threonine 264 retained).
Molecular consequence: synonymous variant.
Genome position (GRCh38, 1-based): chr2:201,761,202, T>C on the plus strand (A>G on the coding strand, the complement: ALS2 is on the minus strand). VCF-style: chr2-201761202-T-C. GRCh37 (hg19) VCF-style: chr2-202625925-T-C.
Other names: c.792A>G, p.Thr264= (NM_001135745.2, NM_001410975.1).
Identifiers: ClinVar variation 3060192 (VCV003060192.2), dbSNP rs2469915159, ClinGen allele CA430832808.
Genomic context (GRCh38, chr2:201,761,202, plus strand): 5'-GTCAAGGGTTTCAGTGGAGGGGCTGAGAGCAGTGCTGGCATGGTTTTCTGCCTGAGATTC[T>C]GTCAGTGTCACACCTAATGGGCAACAATGACTGTCTGATATAATCACATGGTCTTCTTTG-3'
Protein context (NP_065970.2, residues 254-274): SHCCPLGVTL[Thr264=]ESQAENHAST

ClinVar aggregate classification (germline): Likely benign (0 of 4 stars; one submission).

Conditions:
ALS2-related disorder. Also called: ALS2-related disorders; ALS2-related condition; ALS2-Related Spectrum Disorders. Identifiers: MedGen CN169291.

Submission:

PreventionGenetics, part of Exact Sciences
Classification: Likely benign for ALS2-related condition. Last evaluated: 2019-04-29. Review status: no assertion criteria provided. Collection method: clinical testing. Allele origin: germline.
Comment: This variant is classified as likely benign based on ACMG/AMP sequence variant interpretation guidelines (Richards et al. 2015 PMID: 25741868, with internal and published modifications).